The following is an entry in ClinVar:

ClinVar aggregate classification (germline): Likely benign. Review status: criteria provided, multiple submitters, no conflicts (2 of 4 stars). 3 submissions from 3 submitters: Likely benign (3). Last evaluated 2025-09-01.

Conditions:
Developmental and epileptic encephalopathy, 30 (DEE30). Also called: Epileptic encephalopathy, early infantile, 30. Identifiers: MedGen C4225360, MONDO:0014595, OMIM 616341.

Submissions (3):

CeGaT Center for Human Genetics Tuebingen
Classification: Likely benign. Last evaluated: 2025-09-01. Review status: criteria provided, single submitter. Criteria: CeGaT Center For Human Genetics Tuebingen Variant Classification Criteria Version 2. Collection method: clinical testing. Allele origin: germline. Affected: yes. Observed: 1 variant allele.
Comment: SIK1: BP4, BP7

Labcorp Genetics (formerly Invitae), Labcorp
Classification: Likely benign for Developmental and epileptic encephalopathy, 30. Last evaluated: 2025-03-23. Review status: criteria provided, single submitter. Criteria: Invitae Variant Classification Sherloc (09022015). Collection method: clinical testing. Allele origin: germline.

Blueprint Genetics
Classification: Likely benign. Last evaluated: 2023-03-28. Review status: criteria provided, single submitter. Criteria: ACMG Guidelines, 2015. Collection method: clinical testing. Allele origin: germline.

NM_173354.5(SIK1):c.2004C>T (p.Ala668=)

Gene: SIK1 (salt inducible kinase 1; minus strand). Cytogenetic location: 21q22.3.
Variant type: single nucleotide variant.
Coding change: c.2004C>T on transcript NM_173354.5 (MANE Select); coding-DNA position 2004, C replaced by T.
Protein change: p.Ala668=; no amino-acid change (alanine 668 retained).
Molecular consequence: synonymous variant.
Genome position (GRCh38, 1-based): chr21:43,417,090, G>A on the plus strand (C>T on the coding strand, the complement: SIK1 is on the minus strand). VCF-style: chr21-43417090-G-A. GRCh37 (hg19) VCF-style: chr21-44836970-G-A.
Identifiers: ClinVar variation 1643387 (VCV001643387.17), dbSNP rs1434599598, ClinGen allele CA749585029.